The following is an entry in ClinVar:

ClinVar aggregate classification (germline): Uncertain significance. Review status: criteria provided, multiple submitters, no conflicts (2 of 4 stars). 2 submissions from 2 submitters: Uncertain significance (2). Last evaluated 2025-07-23.

Conditions:
Autosomal dominant Charcot-Marie-Tooth disease type 2W. Also called: CHARCOT-MARIE-TOOTH NEUROPATHY, TYPE 2W; CHARCOT-MARIE-TOOTH DISEASE, AXONAL, AUTOSOMAL DOMINANT, TYPE 2W; Charcot-Marie-Tooth disease, axonal, type 2w. Identifiers: Orphanet 488333, MedGen C5567486, MONDO:0014711, OMIM 616625.
Usher syndrome type 3B. Also called: USHER SYNDROME, TYPE IIIB. Identifiers: MedGen C3281066, MONDO:0013788, OMIM 614504.

Allele frequency attached by ClinVar (database versions not stated): gnomAD exomes below 0.00001 and 0.00001; ExAC 0.00001; gnomAD 0.00001; TOPMed 0.00001.
gnomAD v4.1: 9 of 1,608,282 alleles (0.00056%); highest among the groups gnomAD compares: Admixed American, 0.0017%; no homozygotes.

Submissions (2):

Labcorp Genetics (formerly Invitae), Labcorp
Classification: Uncertain significance for Usher syndrome type 3B. Last evaluated: 2025-07-23. Review status: criteria provided, single submitter. Criteria: Invitae Variant Classification Sherloc (09022015). Collection method: clinical testing. Allele origin: germline.
Comment: This sequence change replaces lysine, which is basic and polar, with arginine, which is basic and polar, at codon 112 of the HARS protein (p.Lys112Arg). This variant is present in population databases (rs746177150, gnomAD 0.0009%). This variant has not been reported in the literature in individuals affected with HARS-related conditions. ClinVar contains an entry for this variant (Variation ID: 1333881). Invitae Evidence Modeling of protein sequence and biophysical properties (such as structural, functional, and spatial information, amino acid conservation, physicochemical variation, residue mobility, and thermodynamic stability) indicates that this missense variant is not expected to disrupt HARS protein function with a negative predictive value of 80%. In summary, the available evidence is currently insufficient to determine the role of this variant in disease. Therefore, it has been classified as a Variant of Uncertain Significance.

CENTOGENE GmbH and LLC - Guiding Precision Medicine
Classification: Uncertain significance for Autosomal dominant Charcot-Marie-Tooth disease type 2W. Last evaluated: 2020-12-14. Review status: criteria provided, single submitter. Criteria: ACMG Guidelines, 2015. Collection method: clinical testing. Allele origin: paternal.

NM_002109.6(HARS1):c.335A>G (p.Lys112Arg)

Gene: HARS1 (histidyl-tRNA synthetase 1; minus strand). Cytogenetic location: 5q31.3.
Variant type: single nucleotide variant.
Coding change: c.335A>G on transcript NM_002109.6 (MANE Select); coding-DNA position 335, A replaced by G.
Protein change: p.Lys112Arg; replaces lysine 112 with arginine.
Molecular consequence: missense variant. On other transcripts: intron variant (2).
Genome position (GRCh38, 1-based): chr5:140,679,849, T>C on the plus strand (A>G on the coding strand, the complement: HARS1 is on the minus strand). VCF-style: chr5-140679849-T-C. GRCh37 (hg19) VCF-style: chr5-140059434-T-C.
Other names: c.215A>G, p.Lys72Arg (NM_001258040.3, NM_001258042.3); c.335A>G, p.Lys112Arg (NM_001258041.3); c.248A>G, p.Lys83Arg (NM_001289094.2); c.181-1834A>G (NM_001289093.2); c.301-1834A>G (NM_001289092.2); short protein forms K112R, K72R, K83R.
Identifiers: ClinVar variation 1333881 (VCV001333881.6), dbSNP rs746177150, ClinGen allele CA3444134.